The following is an entry in ClinVar:

ClinVar aggregate classification (germline): Uncertain significance (1 of 4 stars; one submission).

gnomAD v4.1: 1 of 1,613,918 alleles (0.000062%); highest among the groups gnomAD compares: Admixed American, 0.0017%; no homozygotes.

Submission:

Ambry Genetics
Classification: Uncertain significance. Last evaluated: 2025-03-12. Review status: criteria provided, single submitter. Criteria: Ambry Variant Classification Scheme 2023. Collection method: clinical testing. Allele origin: germline.
Comment: The p.P1031L variant (also known as c.3092C>T), located in coding exon 11 of the CDK12 gene, results from a C to T substitution at nucleotide position 3092. The proline at codon 1031 is replaced by leucine, an amino acid with similar properties. This amino acid position is conserved. In addition, the in silico prediction for this alteration is inconclusive. Based on the available evidence, the clinical significance of this variant remains unclear.

NM_016507.4(CDK12):c.3092C>T (p.Pro1031Leu)

Gene: CDK12 (cyclin dependent kinase 12; plus strand). Cytogenetic location: 17q12.
Variant type: single nucleotide variant.
Coding change: c.3092C>T on transcript NM_016507.4 (MANE Select); coding-DNA position 3092, C replaced by T.
Protein change: p.Pro1031Leu; replaces proline 1031 with leucine.
Molecular consequence: missense variant.
Genome position (GRCh38, 1-based): chr17:39,520,084, C>T. VCF-style: chr17-39520084-C-T. GRCh37 (hg19) VCF-style: chr17-37676337-C-T.
Other names: c.3092C>T, p.Pro1031Leu (NM_015083.4); short protein forms P1031L.
Identifiers: ClinVar variation 3830793 (VCV003830793.1).